The following is an entry in ClinVar:

ClinVar aggregate classification (germline): Likely pathogenic (1 of 4 stars; one submission).

Conditions:
Bethlem myopathy 1A. Also called: Bethlem Muscular Dystrophy; MYOPATHY, BENIGN CONGENITAL, WITH CONTRACTURES; Bethlem myopathy 1. Identifiers: Orphanet 610, MedGen CN029274, MONDO:0024530, OMIM 158810.

Submission:

Labcorp Genetics (formerly Invitae), Labcorp
Classification: Likely pathogenic for Bethlem myopathy 1A. Last evaluated: 2019-05-10. Review status: criteria provided, single submitter. Criteria: Invitae Variant Classification Sherloc (09022015). Collection method: clinical testing. Allele origin: germline.
Comment: While this particular variant has not been reported in the literature, a similar variant also affecting the donor splice site in intron 10 (c.1000-2A>G) has been reported in the heterozygous state in an individual affected with Bethlem myopathy (PMID: 17886299). In this individual the splice site variant was shown to cause skipping of exon 11, resulting in autosomal dominant disease. This sequence change affects an acceptor splice site in intron 10 of the COL6A2 gene. It is expected to disrupt RNA splicing and likely results in an absent or disrupted protein product. This variant also deletes the first 30 nucleotides of exon 11, disrupting 10 amino acid residues. In summary, donor and acceptor splice site variants are typically loss-of-function (PMID: 16199547), and loss-of-function variants in COL6A2 are known to be pathogenic in autosomal recessive COL6A2-related conditions (PMID: 21280092, 20976770). In addition, other mutations that delete a portion of the protein, such as those resulting in exon skipping, have also been identified in autosomal dominant COL6A2-related conditions (PMID: 1788629). However, without additional functional and/or genetic data, this variant has been classified as Likely Pathogenic.

Literature cited by the submitters: PubMed 17886299; PubMed 16199547; PubMed 21280092; PubMed 20976770; PubMed 1788629.

NM_001849.4(COL6A2):c.1000-13_1030del

Gene: COL6A2 (collagen type VI alpha 2 chain; plus strand). Cytogenetic location: 21q22.3.
Variant type: Deletion.
Coding change: c.1000-13_1030del on transcript NM_001849.4 (MANE Select); 13 bases into the intron before coding-DNA position 1000 through coding-DNA position 1030, 44 bases deleted.
Molecular consequence: splice acceptor variant.
Genome position (GRCh38, 1-based): chr21:46,117,387-46,117,430, 44 bases deleted. GRCh37 (hg19): chr21:47,537,301-47,537,344.
Other names: c.1000-13_1030del (NM_058175.3, NM_058174.3); c.1000-13_1030delCCTTCTCCTTCAGGGCAAGCTGGGGCGCATCGGACCTCCTGGCT (NM_001849.3).
Identifiers: ClinVar variation 476445 (VCV000476445.11), dbSNP rs1555873353, ClinGen allele CA658658894.